The following is an entry in ClinVar:

ClinVar aggregate classification (germline): Pathogenic (1 of 4 stars; one submission).

Submission:

GeneDx
Classification: Pathogenic. Last evaluated: 2015-09-28. Review status: criteria provided, single submitter. Criteria: GeneDx Variant Classification (06012015). Collection method: clinical testing. Allele origin: germline. Affected: yes.
Comment: The T604A substitution in the MYH7 gene has not been reported previously as a pathogenic variant nor as a benign variant, to our knowledge. The T604A variant was not observed in approximately 6500 individuals of European and African American ancestry in the NHLBI Exome Sequencing Project, indicating it is not a common benign variant in these populations. The T604A variant is a non-conservative amino acid substitution, which is likely to impact secondary protein structure as these residues differ in polarity, charge, size and/or other properties. This substitution occurs at a position where amino acids with similar properties to Threonine are tolerated across species. In silico analysis is inconsistent in its predictions as to whether or not the variant is damaging to the protein structure/function. Missense variants in nearby residues (L601F, L601V, N602S, V606L, V606M) have been reported in the Human Gene Mutation Database in association with hypertrophic cardiomyopathy (Stenson et al., 2014), supporting the functional importance of this region of the protein. We interpret T604A as a pathogenic variant.

NM_000257.4(MYH7):c.1810A>G (p.Thr604Ala)

Gene: MYH7 (myosin heavy chain 7; minus strand). Cytogenetic location: 14q11.2.
Variant type: single nucleotide variant.
Coding change: c.1810A>G on transcript NM_000257.4 (MANE Select); coding-DNA position 1810, A replaced by G.
Protein change: p.Thr604Ala; replaces threonine 604 with alanine.
Molecular consequence: missense variant.
Genome position (GRCh38, 1-based): chr14:23,427,663, T>C on the plus strand (A>G on the coding strand, the complement: MYH7 is on the minus strand). VCF-style: chr14-23427663-T-C. GRCh37 (hg19) VCF-style: chr14-23896872-T-C.
Other names: c.1810A>G (LRG_384t1); short protein forms T604A.
Identifiers: ClinVar variation 429741 (VCV000429741.2), dbSNP rs1131691562, ClinGen allele CA389049768.